The following is an entry in ClinVar:

NM_002185.5(IL7R):c.706+3A>G

Gene: IL7R (interleukin 7 receptor; plus strand). Cytogenetic location: 5p13.2.
Variant type: single nucleotide variant.
Coding change: c.706+3A>G on transcript NM_002185.5 (MANE Select); 3 bases into the intron after coding-DNA position 706, A replaced by G.
Molecular consequence: intron variant.
Genome position (GRCh38, 1-based): chr5:35,873,651, A>G. VCF-style: chr5-35873651-A-G. GRCh37 (hg19) VCF-style: chr5-35873753-A-G.
Identifiers: ClinVar variation 572879 (VCV000572879.5), dbSNP rs200036151, ClinGen allele CA3232055.

ClinVar aggregate classification (germline): Uncertain significance. Review status: criteria provided, multiple submitters, no conflicts (2 of 4 stars). 2 submissions from 2 submitters: Uncertain significance (2). Last evaluated 2023-12-12.

Conditions:
Immunodeficiency 104. Also called: SCID, AUTOSOMAL RECESSIVE, T CELL-NEGATIVE, B CELL-POSITIVE, NK CELL-POSITIVE; Severe Combined Immune Deficiency, Autosomal Recessive, TCell -Negative, B Cell-Positive, NK Cell-Positive, IL7R-Related; Severe combined immunodeficiency, autosomal recessive, T cell-negative, B cell-positive, NK cell-positive; IMMUNODEFICIENCY 104, SEVERE COMBINED. Identifiers: MedGen C5676890, MONDO:0012163, OMIM 608971.

Allele frequency attached by ClinVar (database versions not stated): ExAC 0.00001; gnomAD exomes 0.00002 and 0.00007; TOPMed 0.00002; gnomAD 0.00003.
gnomAD v4.1: 109 of 1,613,302 alleles (0.0068%); highest among the groups gnomAD compares: Non-Finnish European, 0.0092%; no homozygotes.

Submissions (2):

Women's Health and Genetics/Laboratory Corporation of America, LabCorp
Classification: Uncertain significance. Last evaluated: 2023-12-12. Review status: criteria provided, single submitter. Criteria: LabCorp Variant Classification Summary - May 2015. Collection method: clinical testing. Allele origin: germline.

Labcorp Genetics (formerly Invitae), Labcorp
Classification: Uncertain significance for Immunodeficiency 104. Last evaluated: 2022-08-16. Review status: criteria provided, single submitter. Criteria: Invitae Variant Classification Sherloc (09022015). Collection method: clinical testing. Allele origin: germline.
Comment: This sequence change falls in intron 5 of the IL7R gene. It does not directly change the encoded amino acid sequence of the IL7R protein. It affects a nucleotide within the consensus splice site. This variant is present in population databases (rs200036151, gnomAD 0.004%). This variant has not been reported in the literature in individuals affected with IL7R-related conditions. ClinVar contains an entry for this variant (Variation ID: 572879). Variants that disrupt the consensus splice site are a relatively common cause of aberrant splicing (PMID: 17576681, 9536098). Algorithms developed to predict the effect of sequence changes on RNA splicing suggest that this variant may disrupt the consensus splice site. In summary, the available evidence is currently insufficient to determine the role of this variant in disease. Therefore, it has been classified as a Variant of Uncertain Significance.

Literature cited by the submitters: PubMed 17576681 (cited by Labcorp Genetics (formerly Invitae), Labcorp); PubMed 9536098 (cited by Labcorp Genetics (formerly Invitae), Labcorp).